The following is an entry in ClinVar:

NM_000321.3(RB1):c.2390del (p.Leu797fs)

Gene: RB1 (RB transcriptional corepressor 1; plus strand). Cytogenetic location: 13q14.2.
Variant type: Deletion.
Coding change: c.2390del on transcript NM_000321.3 (MANE Select); coding-DNA position 2390, one base deleted (T; older notation c.2390delT).
Protein change: p.Leu797fs; shifts the reading frame from leucine 797.
Molecular consequence: frameshift variant.
Genome position (GRCh38, 1-based): chr13:48,465,269, T deleted; the last of 2 consecutive T bases (chr13:48,465,268-48,465,269); deleting either gives the same sequence. VCF-style (leftmost placement, unchanged base first): chr13-48465267-CT-C. GRCh37 (hg19) VCF-style: chr13-49039403-CT-C.
Other names: c.2390del, p.Leu797fs (NM_001407165.1); short protein forms L797fs.
Identifiers: ClinVar variation 4884445 (VCV004884445.1).
Genomic context (GRCh38, chr13:48,465,267, plus strand): 5'-CCCTACCTTGTCACCAATACCTCACATTCCTCGAAGCCCTTACAAGTTTCCTAGTTCACC[CT>C]TACGGATTCCTGGAGGGAACATCTATATTTCACCCCTGAAGAGTCCATATAAAATTTCAG-3'

ClinVar aggregate classification (germline): Likely pathogenic (1 of 4 stars; one submission).

Conditions:
Retinoblastoma (RB1). Also called: RETINOBLASTOMA, SOMATIC. Identifiers: Orphanet 790, MedGen C0035335, MeSH D012175, MONDO:0008380, OMIM 180200, HP:0009919. Disease mechanism: loss of function. Inheritance: Both sporadic and heritable forms are tested..

Submission:

Diller/Parad Lab, Dana-Farber/Harvard Cancer Center
Classification: Likely pathogenic for Retinoblastoma. Last evaluated: 2026-05-29. Review status: criteria provided, single submitter. Criteria: ACMG Guidelines, 2015. Collection method: research. Allele origin: germline. Affected: yes.
Comment: It has been classified as Likely Pathogenic using Richards et al (PMID:25741868) based on the following evidence codes: PM2, PVS1.